The following is an entry in ClinVar:

ClinVar aggregate classification (germline): Conflicting classifications of pathogenicity. Review status: criteria provided, conflicting classifications (1 of 4 stars). 6 submissions from 6 submitters: Pathogenic (2); Likely pathogenic (3); Uncertain significance (1). Last evaluated 2026-02-04.

Conditions:
ASS1-related disorder. Also called: ASS1-related condition.
Citrullinemia type I (CTNL1). Also called: argininosuccinate synthetase deficiency; ASS DEFICIENCY. Identifiers: Orphanet 247525, MedGen C4721769, MONDO:0008988, OMIM 215700.
Citrullinemia. Identifiers: Orphanet 187, MedGen C0175683, MONDO:0015991.

Allele frequency attached by ClinVar (database versions not stated): ESP Exome Variant Server 0.00008; gnomAD 0.00009; gnomAD exomes 0.00009 and 0.00020; TOPMed 0.00009; ExAC 0.00016; 1000 Genomes Project 0.00020; 1000 Genomes Project 30x 0.00031.
gnomAD v4.1: 153 of 1,613,382 alleles (0.0095%); highest among the groups gnomAD compares: South Asian, 0.057%; no homozygotes.

Submissions (6):

Labcorp Genetics (formerly Invitae), Labcorp
Classification: Pathogenic for Citrullinemia. Last evaluated: 2026-02-04. Review status: criteria provided, single submitter. Criteria: Invitae Variant Classification Sherloc (09022015). Collection method: clinical testing. Allele origin: germline.
Comment: This sequence change replaces arginine, which is basic and polar, with cysteine, which is neutral and slightly polar, at codon 335 of the ASS1 protein (p.Arg335Cys). This variant is present in population databases (rs373514077, gnomAD 0.08%). This missense change has been observed in individual(s) with citrullinemia (internal data). In at least one individual the data is consistent with being in trans (on the opposite chromosome) from a pathogenic variant. ClinVar contains an entry for this variant (Variation ID: 528370). Invitae Evidence Modeling of protein sequence and biophysical properties (such as structural, functional, and spatial information, amino acid conservation, physicochemical variation, residue mobility, and thermodynamic stability) indicates that this missense variant is expected to disrupt ASS1 protein function with a positive predictive value of 80%. For these reasons, this variant has been classified as Pathogenic.

Natera, Inc.
Classification: Likely pathogenic for Citrullinemia type I. Last evaluated: 2025-11-13. Review status: criteria provided, single submitter. Criteria: Natera Variant Classification Schema (03/2026). Collection method: clinical testing. Allele origin: germline.
Comment: The c.1003C>T variant in ASS1 is a missense variant predicted to cause substitution of arginine to cysteine at amino acid 335. This variant is rare in the general population with a frequency below the threshold expected for the associated phenotype(s). This variant has been observed in one or more individuals affected with the associated recessive disease, as either homozygous or compound heterozygous with a second variant (PMID: 33851512). Computational prediction algorithms indicate this variant is likely to affect gene or protein function. Given the available evidence, this variant is classified as Likely Pathogenic.

CeGaT Center for Human Genetics Tuebingen
Classification: Likely pathogenic. Last evaluated: 2025-01-01. Review status: criteria provided, single submitter. Criteria: CeGaT Center For Human Genetics Tuebingen Variant Classification Criteria Version 2. Collection method: clinical testing. Allele origin: germline. Affected: yes. Observed: 1 variant allele.
Comment: ASS1: PM2, PP4:Moderate, PM3:Supporting, PP3

Blueprint Genetics
Classification: Likely pathogenic for ASS1-related disorders. Last evaluated: 2024-09-06. Review status: criteria provided, single submitter. Criteria: ACMG Guidelines, 2015. Collection method: clinical testing. Allele origin: germline. Affected: yes. Observed: 5 variant alleles.

Revvity Omics, Revvity
Classification: Uncertain significance for Citrullinemia type I. Last evaluated: 2024-07-11. Review status: criteria provided, single submitter. Criteria: ACMG Guidelines, 2015. Collection method: clinical testing. Allele origin: germline.

Fulgent Genetics
Classification: Pathogenic for Citrullinemia type I. Last evaluated: 2024-03-28. Review status: criteria provided, single submitter. Criteria: ACMG Guidelines, 2015. Collection method: clinical testing. Allele origin: germline.

Literature cited by the submitters: PubMed 33851512 (cited by Natera, Inc.).

NM_054012.4(ASS1):c.1003C>T (p.Arg335Cys)

Gene: ASS1 (argininosuccinate synthase 1; plus strand). Cytogenetic location: 9q34.11.
Variant type: single nucleotide variant.
Coding change: c.1003C>T on transcript NM_054012.4 (MANE Select); coding-DNA position 1003, C replaced by T.
Protein change: p.Arg335Cys; replaces arginine 335 with cysteine.
Molecular consequence: missense variant.
Genome position (GRCh38, 1-based): chr9:130,494,899, C>T. VCF-style: chr9-130494899-C-T. GRCh37 (hg19) VCF-style: chr9-133370286-C-T.
Other names: c.1003C>T, p.Arg335Cys (NM_000050.4); short protein forms R335C.
Identifiers: ClinVar variation 528370 (VCV000528370.32), dbSNP rs373514077, ClinGen allele CA5283610.